The following is an entry in ClinVar:

NM_002049.4(GATA1):c.1025G>A (p.Gly342Asp)

Gene: GATA1 (GATA binding protein 1; plus strand). Cytogenetic location: Xp11.23.
Variant type: single nucleotide variant.
Coding change: c.1025G>A on transcript NM_002049.4 (MANE Select); coding-DNA position 1025, G replaced by A.
Protein change: p.Gly342Asp; replaces glycine 342 with aspartic acid.
Molecular consequence: missense variant.
Genome position (GRCh38, 1-based): chrX:48,793,947, G>A. VCF-style: chrX-48793947-G-A. GRCh37 (hg19) VCF-style: chrX-48652354-G-A.
Other names: short protein forms G342D.
Identifiers: ClinVar variation 4783753 (VCV004783753.1).

ClinVar aggregate classification (germline): Uncertain significance (1 of 4 stars; one submission).

Conditions:
Diamond-Blackfan anemia. Also called: Blackfan Diamond syndrome; Aregenerative anemia chronic congenital; Red cell aplasia, pure hereditary; Congenital hypoplastic anemia; Aase syndrome. Identifiers: Orphanet 124, MedGen C1260899, MeSH D029503, MONDO:0015253, HP:0004810.
GATA binding protein 1 related thrombocytopenia with dyserythropoiesis. Also called: GATA1-Related Cytopenia; GATA1-Related X-Linked Cytopenia. Identifiers: MedGen C1845837, MONDO:0100089.

Submission:

Labcorp Genetics (formerly Invitae), Labcorp
Classification: Uncertain significance for GATA binding protein 1 related thrombocytopenia with dyserythropoiesis; Diamond-Blackfan anemia. Last evaluated: 2025-10-12. Review status: criteria provided, single submitter. Criteria: Invitae Variant Classification Sherloc (09022015). Collection method: clinical testing. Allele origin: germline.
Comment: This sequence change replaces glycine, which is neutral and non-polar, with aspartic acid, which is acidic and polar, at codon 342 of the GATA1 protein (p.Gly342Asp). This variant is not present in population databases (gnomAD no frequency). This variant has not been reported in the literature in individuals affected with GATA1-related conditions. Invitae Evidence Modeling of protein sequence and biophysical properties (such as structural, functional, and spatial information, amino acid conservation, physicochemical variation, residue mobility, and thermodynamic stability) indicates that this missense variant is not expected to disrupt GATA1 protein function with a negative predictive value of 95%. In summary, the available evidence is currently insufficient to determine the role of this variant in disease. Therefore, it has been classified as a Variant of Uncertain Significance.